The following is an entry in ClinVar:

NM_000521.4(HEXB):c.136C>G (p.Pro46Ala)

Gene: HEXB (hexosaminidase subunit beta; plus strand). Cytogenetic location: 5q13.3.
Variant type: single nucleotide variant.
Coding change: c.136C>G on transcript NM_000521.4 (MANE Select); coding-DNA position 136, C replaced by G.
Protein change: p.Pro46Ala; replaces proline 46 with alanine.
Molecular consequence: missense variant. On other transcripts: intron variant (1).
Genome position (GRCh38, 1-based): chr5:74,685,396, C>G. VCF-style: chr5-74685396-C-G. GRCh37 (hg19) VCF-style: chr5-73981221-C-G.
Other names: c.-376-3932C>G (NM_001292004.2); short protein forms P46A.
Identifiers: ClinVar variation 1057998 (VCV001057998.6), dbSNP rs1392645389, ClinGen allele CA360062206.

ClinVar aggregate classification (germline): Uncertain significance (1 of 4 stars; one submission).

Conditions:
Sandhoff disease. Also called: Beta-hexosaminidase-beta-subunit deficiency; GM2 gangliosidosis, type 2; Total hexosaminidase deficiency; Sandhoff-Jatzkewitz-Pilz disease; GM2-GANGLIOSIDOSIS, TYPE II; HEXOSAMINIDASES A AND B DEFICIENCY. Identifiers: Orphanet 796, MedGen C0036161, MONDO:0010006, OMIM 268800.

Allele frequency attached by ClinVar (database versions not stated): TOPMed below 0.00001.

Submission:

Labcorp Genetics (formerly Invitae), Labcorp
Classification: Uncertain significance for Sandhoff disease. Last evaluated: 2022-01-14. Review status: criteria provided, single submitter. Criteria: Invitae Variant Classification Sherloc (09022015). Collection method: clinical testing. Allele origin: germline.
Comment: This sequence change replaces proline, which is neutral and non-polar, with alanine, which is neutral and non-polar, at codon 46 of the HEXB protein (p.Pro46Ala). This variant is not present in population databases (gnomAD no frequency). This variant has not been reported in the literature in individuals affected with HEXB-related conditions. ClinVar contains an entry for this variant (Variation ID: 1057998). Advanced modeling of protein sequence and biophysical properties (such as structural, functional, and spatial information, amino acid conservation, physicochemical variation, residue mobility, and thermodynamic stability) performed at Invitae indicates that this missense variant is not expected to disrupt HEXB protein function. In summary, the available evidence is currently insufficient to determine the role of this variant in disease. Therefore, it has been classified as a Variant of Uncertain Significance.